The following is an entry in ClinVar:

ClinVar aggregate classification (germline): Likely benign. Review status: criteria provided, multiple submitters, no conflicts (2 of 4 stars). 2 submissions from 2 submitters: Likely benign (2). Last evaluated 2024-12-27.

Conditions:
CRB1-related disorder. Also called: CRB1-related condition; CRB1-related disorders.

gnomAD v4.1: 109 of 1,505,456 alleles (0.0072%); highest among the groups gnomAD compares: African/African-American, 0.0014%; no homozygotes.

Submissions (2):

PreventionGenetics, part of Exact Sciences
Classification: Likely benign for CRB1-related condition. Last evaluated: 2024-12-27. Review status: criteria provided, single submitter. Criteria: ACMG Guidelines, 2015. Collection method: clinical testing. Allele origin: germline.
Comment: This variant is classified as likely benign based on ACMG/AMP sequence variant interpretation guidelines (Richards et al. 2015 PMID: 25741868, with internal and published modifications).

Blueprint Genetics
Classification: Likely benign. Last evaluated: 2024-09-18. Review status: criteria provided, single submitter. Criteria: ACMG Guidelines, 2015. Collection method: clinical testing. Allele origin: germline.

NM_201253.3(CRB1):c.2677-365C>A

Gene: CRB1 (crumbs cell polarity complex component 1; plus strand). Cytogenetic location: 1q31.3.
Variant type: single nucleotide variant.
Coding change: c.2677-365C>A on transcript NM_201253.3 (MANE Select); 365 bases into the intron before coding-DNA position 2677, C replaced by A.
Molecular consequence: intron variant. On other transcripts: missense variant (1).
Genome position (GRCh38, 1-based): chr1:197,429,084, C>A. VCF-style: chr1-197429084-C-A. GRCh37 (hg19) VCF-style: chr1-197398214-C-A.
Other names: c.2580C>A (NM_001257965.1); c.2580C>A, p.Phe860Leu (NM_001257965.2); c.2129-6516C>A (NM_001257966.2); c.2341-365C>A (NM_001193640.2); short protein forms F860L.
Identifiers: ClinVar variation 4926901 (VCV004926901.2).